The following is an entry in ClinVar:

NM_005334.3(HCFC1):c.5354C>T (p.Ala1785Val)

Gene: HCFC1 (host cell factor C1; minus strand). Cytogenetic location: Xq28.
Variant type: single nucleotide variant.
Coding change: c.5354C>T on transcript NM_005334.3 (MANE Select); coding-DNA position 5354, C replaced by T.
Protein change: p.Ala1785Val; replaces alanine 1785 with valine.
Molecular consequence: missense variant.
Genome position (GRCh38, 1-based): chrX:153,951,614, G>A on the plus strand (C>T on the coding strand, the complement: HCFC1 is on the minus strand). VCF-style: chrX-153951614-G-A. GRCh37 (hg19) VCF-style: chrX-153217065-G-A.
Other names: c.5489C>T, p.Ala1830Val (NM_001410705.1); short protein forms A1785V, A1830V.
Identifiers: ClinVar variation 1710906 (VCV001710906.2), dbSNP rs2521468669, ClinGen allele CA415104983.

ClinVar aggregate classification (germline): Uncertain significance (1 of 4 stars; one submission).

Allele frequency attached by ClinVar (database versions not stated): gnomAD exomes below 0.00001.
gnomAD v4.1: 2 of 1,210,944 alleles (0.00017%); highest among the groups gnomAD compares: Non-Finnish European, 0.00022%; no homozygotes.

Submission:

GeneDx
Classification: Uncertain significance. Last evaluated: 2022-04-17. Review status: criteria provided, single submitter. Criteria: GeneDx Variant Classification Process June 2021. Collection method: clinical testing. Allele origin: germline. Affected: yes.
Comment: Not observed at significant frequency in large population cohorts (gnomAD); In silico analysis supports that this missense variant does not alter protein structure/function; Has not been previously published as pathogenic or benign to our knowledge